The following is an entry in ClinVar:

NM_005257.6(GATA6):c.351C>G (p.Asp117Glu)

Gene: GATA6 (GATA binding protein 6; plus strand). Cytogenetic location: 18q11.2.
Variant type: single nucleotide variant.
Coding change: c.351C>G on transcript NM_005257.6 (MANE Select); coding-DNA position 351, C replaced by G.
Protein change: p.Asp117Glu; replaces aspartic acid 117 with glutamic acid.
Molecular consequence: missense variant.
Genome position (GRCh38, 1-based): chr18:22,171,495, C>G. VCF-style: chr18-22171495-C-G. GRCh37 (hg19) VCF-style: chr18-19751456-C-G.
Other names: short protein forms D117E.
Identifiers: ClinVar variation 1899558 (VCV001899558.5), dbSNP rs1340816195, ClinGen allele CA401799477.

ClinVar aggregate classification (germline): Uncertain significance (1 of 4 stars; one submission).

Conditions:
Atrioventricular septal defect 5 (AVSD5). Identifiers: MedGen C3280939, MONDO:0013769, OMIM 614474.

Allele frequency attached by ClinVar (database versions not stated): TOPMed below 0.00001.
gnomAD v4.1: 1 of 1,602,244 alleles (0.000062%); highest among the groups gnomAD compares: Admixed American, 0.0017%; no homozygotes.

Submission:

Labcorp Genetics (formerly Invitae), Labcorp
Classification: Uncertain significance for Atrioventricular septal defect 5. Last evaluated: 2024-10-15. Review status: criteria provided, single submitter. Criteria: Invitae Variant Classification Sherloc (09022015). Collection method: clinical testing. Allele origin: germline.
Comment: This sequence change replaces aspartic acid, which is acidic and polar, with glutamic acid, which is acidic and polar, at codon 117 of the GATA6 protein (p.Asp117Glu). This variant is present in population databases (no rsID available, gnomAD 0.003%). This variant has not been reported in the literature in individuals affected with GATA6-related conditions. ClinVar contains an entry for this variant (Variation ID: 1899558). Invitae Evidence Modeling of protein sequence and biophysical properties (such as structural, functional, and spatial information, amino acid conservation, physicochemical variation, residue mobility, and thermodynamic stability) indicates that this missense variant is not expected to disrupt GATA6 protein function with a negative predictive value of 80%. In summary, the available evidence is currently insufficient to determine the role of this variant in disease. Therefore, it has been classified as a Variant of Uncertain Significance.